The following is an entry in ClinVar:

ClinVar aggregate classification (germline): Pathogenic. Review status: criteria provided, multiple submitters, no conflicts (2 of 4 stars). 2 submissions from 2 submitters: Pathogenic (2). Last evaluated 2025-07-21.

Conditions:
Retinitis pigmentosa 59 (RP59). Identifiers: Orphanet 791, MedGen C3151227, MONDO:0013468, OMIM 613861.

Submissions (2):

Labcorp Genetics (formerly Invitae), Labcorp
Classification: Pathogenic for Retinitis pigmentosa 59. Last evaluated: 2025-07-21. Review status: criteria provided, single submitter. Criteria: Invitae Variant Classification Sherloc (09022015). Collection method: clinical testing. Allele origin: germline.
Comment: This sequence change replaces arginine, which is basic and polar, with serine, which is neutral and polar, at codon 37 of the DHDDS protein (p.Arg37Ser). This variant is not present in population databases (gnomAD no frequency). This missense change has been observed in individual(s) with clinical features of autosomal dominant developmental and epileptic encephalopathy (PMID: 33057194, 35982159; internal data). In at least one individual the variant was observed to be de novo. ClinVar contains an entry for this variant (Variation ID: 546177). Invitae Evidence Modeling of protein sequence and biophysical properties (such as structural, functional, and spatial information, amino acid conservation, physicochemical variation, residue mobility, and thermodynamic stability) indicates that this missense variant is expected to disrupt DHDDS protein function with a positive predictive value of 80%. This variant disrupts the p.Arg37 amino acid residue in DHDDS. Other variant(s) that disrupt this residue have been determined to be pathogenic (PMID: 29100083, 31780880). This suggests that this residue is clinically significant, and that variants that disrupt this residue are likely to be disease-causing. For these reasons, this variant has been classified as Pathogenic.

GeneDx
Classification: Pathogenic. Last evaluated: 2022-11-17. Review status: criteria provided, single submitter. Criteria: GeneDx Variant Classification Process June 2021. Collection method: clinical testing. Allele origin: germline. Affected: yes.
Comment: Not observed at significant frequency in large population cohorts (gnomAD); In silico analysis supports that this missense variant has a deleterious effect on protein structure/function; Has not been previously published as pathogenic or benign to our knowledge

Literature cited by the submitters: PubMed 33057194 (cited by Labcorp Genetics (formerly Invitae), Labcorp); PubMed 35982159 (cited by Labcorp Genetics (formerly Invitae), Labcorp); PubMed 29100083 (cited by Labcorp Genetics (formerly Invitae), Labcorp); PubMed 31780880 (cited by Labcorp Genetics (formerly Invitae), Labcorp).

NM_205861.3(DHDDS):c.109C>A (p.Arg37Ser)

Gene: DHDDS (dehydrodolichyl diphosphate synthase subunit; plus strand). Cytogenetic location: 1p36.11.
Variant type: single nucleotide variant.
Coding change: c.109C>A on transcript NM_205861.3 (MANE Select); coding-DNA position 109, C replaced by A.
Protein change: p.Arg37Ser; replaces arginine 37 with serine.
Molecular consequence: missense variant. On other transcripts: 5 prime UTR variant (1).
Genome position (GRCh38, 1-based): chr1:26,438,213, C>A. VCF-style: chr1-26438213-C-A. GRCh37 (hg19) VCF-style: chr1-26764704-C-A.
Other names: c.109C>A, p.Arg37Ser (NM_001243564.2, NM_001243565.2, NM_024887.4); c.-194C>A (NM_001319959.2); short protein forms R37S.
Identifiers: ClinVar variation 546177 (VCV000546177.5), dbSNP rs1553121072, ClinGen allele CA339138675.